The following is an entry in ClinVar:

NM_001134831.2(AHI1):c.872A>C (p.Asp291Ala)

Gene: AHI1 (Abelson helper integration site 1; minus strand). Cytogenetic location: 6q23.3.
Variant type: single nucleotide variant.
Coding change: c.872A>C on transcript NM_001134831.2 (MANE Select); coding-DNA position 872, A replaced by C.
Protein change: p.Asp291Ala; replaces aspartic acid 291 with alanine.
Molecular consequence: missense variant.
Genome position (GRCh38, 1-based): chr6:135,463,184, T>G on the plus strand (A>C on the coding strand, the complement: AHI1 is on the minus strand). VCF-style: chr6-135463184-T-G. GRCh37 (hg19) VCF-style: chr6-135784322-T-G.
Other names: c.872A>C, p.Asp291Ala (NM_001134830.2, NM_001134832.2, NM_001350503.2 and 2 more transcripts); short protein forms D291A.
Identifiers: ClinVar variation 1990580 (VCV001990580.2), dbSNP rs760645720, ClinGen allele CA4012738.

ClinVar aggregate classification (germline): Uncertain significance. Review status: criteria provided, multiple submitters, no conflicts (2 of 4 stars). 2 submissions from 2 submitters: Uncertain significance (2). Last evaluated 2022-08-09.

Conditions:
Inborn genetic diseases. Identifiers: MedGen C0950123, MeSH D030342.
Joubert syndrome. Also called: CEREBELLOPARENCHYMAL DISORDER IV; JOUBERT-BOLTSHAUSER SYNDROME; Familial aplasia of the vermis. Identifiers: Orphanet 475, MedGen C5979921, MONDO:0018772.

Allele frequency attached by ClinVar (database versions not stated): ExAC 0.00001.
gnomAD v4.1: 3 of 1,608,632 alleles (0.00019%); highest among the groups gnomAD compares: Admixed American, 0.005%; no homozygotes.

Submissions (2):

Labcorp Genetics (formerly Invitae), Labcorp
Classification: Uncertain significance for Joubert syndrome. Last evaluated: 2022-08-09. Review status: criteria provided, single submitter. Criteria: Invitae Variant Classification Sherloc (09022015). Collection method: clinical testing. Allele origin: germline.
Comment: This sequence change replaces aspartic acid, which is acidic and polar, with alanine, which is neutral and non-polar, at codon 291 of the AHI1 protein (p.Asp291Ala). This variant is present in population databases (rs760645720, gnomAD 0.006%). This variant has not been reported in the literature in individuals affected with AHI1-related conditions. Advanced modeling of protein sequence and biophysical properties (such as structural, functional, and spatial information, amino acid conservation, physicochemical variation, residue mobility, and thermodynamic stability) performed at Invitae indicates that this missense variant is not expected to disrupt AHI1 protein function. In summary, the available evidence is currently insufficient to determine the role of this variant in disease. Therefore, it has been classified as a Variant of Uncertain Significance.

Ambry Genetics
Classification: Uncertain significance for Inborn genetic diseases. Last evaluated: 2022-04-27. Review status: criteria provided, single submitter. Criteria: Ambry Variant Classification Scheme 2023. Collection method: clinical testing. Allele origin: germline.